The following is an entry in ClinVar:

NM_025132.4(WDR19):c.604A>G (p.Ile202Val)

Gene: WDR19 (WD repeat domain 19; plus strand). Cytogenetic location: 4p14.
Variant type: single nucleotide variant.
Coding change: c.604A>G on transcript NM_025132.4 (MANE Select); coding-DNA position 604, A replaced by G.
Protein change: p.Ile202Val; replaces isoleucine 202 with valine.
Molecular consequence: missense variant.
Genome position (GRCh38, 1-based): chr4:39,205,154, A>G. VCF-style: chr4-39205154-A-G. GRCh37 (hg19) VCF-style: chr4-39206774-A-G.
Other names: c.124A>G, p.Ile42Val (NM_001317924.2); short protein forms I202V, I42V.
Identifiers: ClinVar variation 1976984 (VCV001976984.2), dbSNP rs1727814465, ClinGen allele CA356633698.

ClinVar aggregate classification (germline): Uncertain significance (1 of 4 stars; one submission).

Conditions:
Asphyxiating thoracic dystrophy 5 (SRTD5). Also called: SHORT-RIB THORACIC DYSPLASIA 5 WITH OR WITHOUT POLYDACTYLY; SHORT-RIB THORACIC DYSPLASIA 5 WITHOUT POLYDACTYLY. Identifiers: Orphanet 474, MedGen C3280598, MONDO:0013717, OMIM 614376.
Senior-Loken syndrome 8 (SLSN8). Identifiers: Orphanet 3156, MedGen C4225376, MONDO:0014579, OMIM 616307.

Allele frequency attached by ClinVar (database versions not stated): gnomAD exomes below 0.00001.
gnomAD v4.1: 2 of 1,574,834 alleles (0.00013%); highest among the groups gnomAD compares: Admixed American, 0.0019%; no homozygotes.

Submission:

Labcorp Genetics (formerly Invitae), Labcorp
Classification: Uncertain significance for Senior-Loken syndrome 8; Asphyxiating thoracic dystrophy 5. Last evaluated: 2022-07-29. Review status: criteria provided, single submitter. Criteria: Invitae Variant Classification Sherloc (09022015). Collection method: clinical testing. Allele origin: germline.
Comment: This sequence change replaces isoleucine, which is neutral and non-polar, with valine, which is neutral and non-polar, at codon 202 of the WDR19 protein (p.Ile202Val). This variant is not present in population databases (gnomAD no frequency). This variant has not been reported in the literature in individuals affected with WDR19-related conditions. Algorithms developed to predict the effect of missense changes on protein structure and function (SIFT, PolyPhen-2, Align-GVGD) all suggest that this variant is likely to be tolerated. Algorithms developed to predict the effect of sequence changes on RNA splicing suggest that this variant may create or strengthen a splice site. In summary, the available evidence is currently insufficient to determine the role of this variant in disease. Therefore, it has been classified as a Variant of Uncertain Significance.